The following is an entry in ClinVar:

ClinVar aggregate classification (germline): Uncertain significance (1 of 4 stars; one submission).

Conditions:
Hereditary cancer-predisposing syndrome. Also called: Neoplastic Syndromes, Hereditary; Tumor predisposition; Hereditary Cancer Syndrome; Hereditary neoplastic syndrome. Identifiers: Orphanet 140162, MedGen C0027672, MeSH D009386, MONDO:0015356.

Submission:

Ambry Genetics
Classification: Uncertain significance for Hereditary cancer-predisposing syndrome. Last evaluated: 2022-01-19. Review status: criteria provided, single submitter. Criteria: Ambry Variant Classification Scheme 2023. Collection method: clinical testing. Allele origin: germline.
Comment: The p.S2304Y variant (also known as c.6911C>A), located in coding exon 15 of the APC gene, results from a C to A substitution at nucleotide position 6911. The serine at codon 2304 is replaced by tyrosine, an amino acid with dissimilar properties. This amino acid position is conserved. In addition, in silico predictors for this gene do not accurately predict pathogenicity. Since supporting evidence is limited at this time, the clinical significance of this alteration remains unclear.

NM_000038.6(APC):c.6911C>A (p.Ser2304Tyr)

Gene: APC (APC regulator of Wnt signaling pathway; plus strand). Cytogenetic location: 5q22.2.
Variant type: single nucleotide variant.
Coding change: c.6911C>A on transcript NM_000038.6 (MANE Select); coding-DNA position 6911, C replaced by A.
Protein change: p.Ser2304Tyr; replaces serine 2304 with tyrosine.
Molecular consequence: missense variant.
Genome position (GRCh38, 1-based): chr5:112,842,505, C>A. VCF-style: chr5-112842505-C-A. GRCh37 (hg19) VCF-style: chr5-112178202-C-A.
Other names: c.6911C>A, p.Ser2304Tyr (NM_001127510.3, NM_001354895.2, NM_001407450.1); c.6857C>A, p.Ser2286Tyr (NM_001127511.3); c.6965C>A, p.Ser2322Tyr (NM_001354896.2, NM_001407447.1, NM_001407448.1 and 1 more transcripts); c.6941C>A, p.Ser2314Tyr (NM_001354897.2); c.6836C>A, p.Ser2279Tyr (NM_001354898.2); c.6827C>A, p.Ser2276Tyr (NM_001354899.2); c.6788C>A, p.Ser2263Tyr (NM_001354900.2); c.6734C>A, p.Ser2245Tyr (NM_001354901.2, NM_001407453.1); and 11 more; short protein forms S2021Y, S2144Y, S2178Y, S2221Y, S2276Y, S2279Y, S2286Y, S1920Y.
Identifiers: ClinVar variation 1756130 (VCV001756130.2), dbSNP rs2149976074, ClinGen allele CA16036407.